The following is an entry in ClinVar:

NM_024589.3(ROGDI):c.569T>C (p.Val190Ala)

Gene: ROGDI (rogdi atypical leucine zipper; minus strand). Cytogenetic location: 16p13.3.
Variant type: single nucleotide variant.
Coding change: c.569T>C on transcript NM_024589.3 (MANE Select); coding-DNA position 569, T replaced by C.
Protein change: p.Val190Ala; replaces valine 190 with alanine.
Molecular consequence: missense variant. On other transcripts: non-coding transcript variant (1).
Genome position (GRCh38, 1-based): chr16:4,798,147, A>G on the plus strand (T>C on the coding strand, the complement: ROGDI is on the minus strand). VCF-style: chr16-4798147-A-G. GRCh37 (hg19) VCF-style: chr16-4848148-A-G.
Other names: short protein forms V190A.
Identifiers: ClinVar variation 573986 (VCV000573986.7), dbSNP rs1567598260, ClinGen allele CA394650491.

ClinVar aggregate classification (germline): Uncertain significance (1 of 4 stars; one submission).

Conditions:
Amelocerebrohypohidrotic syndrome (KTZS). Also called: KOHLSCHUTTER SYNDROME; EPILEPSY AND YELLOW TEETH; EPILEPSY, DEMENTIA, AND AMELOGENESIS IMPERFECTA; Kohlschutter's syndrome. Identifiers: Orphanet 1946, MedGen C0406740, MONDO:0009185, OMIM 226750.

Submission:

Labcorp Genetics (formerly Invitae), Labcorp
Classification: Uncertain significance for Amelocerebrohypohidrotic syndrome. Last evaluated: 2022-06-14. Review status: criteria provided, single submitter. Criteria: Invitae Variant Classification Sherloc (09022015). Collection method: clinical testing. Allele origin: germline.
Comment: This sequence change replaces valine, which is neutral and non-polar, with alanine, which is neutral and non-polar, at codon 190 of the ROGDI protein (p.Val190Ala). This variant is not present in population databases (gnomAD no frequency). This variant has not been reported in the literature in individuals affected with ROGDI-related conditions. ClinVar contains an entry for this variant (Variation ID: 573986). Algorithms developed to predict the effect of missense changes on protein structure and function (SIFT, PolyPhen-2, Align-GVGD) all suggest that this variant is likely to be disruptive. In summary, the available evidence is currently insufficient to determine the role of this variant in disease. Therefore, it has been classified as a Variant of Uncertain Significance.